The following is an entry in ClinVar:

ClinVar aggregate classification (germline): Uncertain significance (1 of 4 stars; one submission).

Conditions:
Developmental and epileptic encephalopathy, 30 (DEE30). Also called: Epileptic encephalopathy, early infantile, 30. Identifiers: MedGen C4225360, MONDO:0014595, OMIM 616341.

Allele frequency attached by ClinVar (database versions not stated): ExAC 0.00001.

Submission:

Labcorp Genetics (formerly Invitae), Labcorp
Classification: Uncertain significance for Developmental and epileptic encephalopathy, 30. Last evaluated: 2022-12-12. Review status: criteria provided, single submitter. Criteria: Invitae Variant Classification Sherloc (09022015). Collection method: clinical testing. Allele origin: germline.
Comment: This sequence change replaces cysteine, which is neutral and slightly polar, with serine, which is neutral and polar, at codon 289 of the SIK1 protein (p.Cys289Ser). In summary, the available evidence is currently insufficient to determine the role of this variant in disease. Therefore, it has been classified as a Variant of Uncertain Significance. Advanced modeling of protein sequence and biophysical properties (such as structural, functional, and spatial information, amino acid conservation, physicochemical variation, residue mobility, and thermodynamic stability) performed at Invitae indicates that this missense variant is not expected to disrupt SIK1 protein function. This variant has not been reported in the literature in individuals affected with SIK1-related conditions. This variant is present in population databases (rs761743234, gnomAD 0.0009%).

NM_173354.5(SIK1):c.866G>C (p.Cys289Ser)

Gene: SIK1 (salt inducible kinase 1; minus strand). Cytogenetic location: 21q22.3.
Variant type: single nucleotide variant.
Coding change: c.866G>C on transcript NM_173354.5 (MANE Select); coding-DNA position 866, G replaced by C.
Protein change: p.Cys289Ser; replaces cysteine 289 with serine.
Molecular consequence: missense variant.
Genome position (GRCh38, 1-based): chr21:43,420,340, C>G on the plus strand (G>C on the coding strand, the complement: SIK1 is on the minus strand). VCF-style: chr21-43420340-C-G. GRCh37 (hg19) VCF-style: chr21-44840220-C-G.
Other names: short protein forms C289S.
Identifiers: ClinVar variation 2808993 (VCV002808993.3), dbSNP rs761743234, ClinGen allele CA321326812.
Genomic context (GRCh38, chr21:43,420,340, plus strand): 5'-AGCGCCTGCTCATCGTAGTCGCCCAGGTTGGAGGTGTAGCTGTGTGCGGAGAAGGCGGGG[C>G]AGGCGGGTCCCGGCAAGCAGGGCTCAGCCCGCATCCACCGGTGCTGCCGGATCTGGGCGA-3'
Protein context (NP_775490.2, residues 279-299): RAEPCLPGPA[Cys289Ser]PAFSAHSYTS